The following is an entry in ClinVar:

ClinVar aggregate classification (germline): Conflicting classifications of pathogenicity. Review status: criteria provided, conflicting classifications (1 of 4 stars). 2 submissions from 2 submitters: Likely pathogenic (1); Uncertain significance (1). Last evaluated 2022-10-23.

Conditions:
Neutropenia, severe congenital, 1, autosomal dominant. Identifiers: MedGen C1859966, MONDO:0042490, OMIM 202700.
Cyclical neutropenia. Also called: Cyclic hematopoiesis; Cyclic Neutropenia. Identifiers: Orphanet 2686, MedGen C0221023, MONDO:0008090, OMIM 162800, HP:0040289. Disease mechanism: loss of function.

Submissions (2):

Labcorp Genetics (formerly Invitae), Labcorp
Classification: Uncertain significance for Neutropenia, severe congenital, 1, autosomal dominant; Cyclical neutropenia. Last evaluated: 2022-10-23. Review status: criteria provided, single submitter. Criteria: Invitae Variant Classification Sherloc (09022015). Collection method: clinical testing. Allele origin: germline.
Comment: In summary, the available evidence is currently insufficient to determine the role of this variant in disease. Therefore, it has been classified as a Variant of Uncertain Significance. Variants that disrupt the consensus splice site are a relatively common cause of aberrant splicing (PMID: 17576681, 9536098). Algorithms developed to predict the effect of sequence changes on RNA splicing suggest that this variant may disrupt the consensus splice site. ClinVar contains an entry for this variant (Variation ID: 1163716). This variant has been observed in individual(s) with cyclic neutropenia (PMID: 10581030). This variant is not present in population databases (gnomAD no frequency). This sequence change falls in intron 4 of the ELANE gene. It does not directly change the encoded amino acid sequence of the ELANE protein. It affects a nucleotide within the consensus splice site.

Mayo Clinic Laboratories, Mayo Clinic
Classification: Likely pathogenic. Last evaluated: 2020-12-15. Review status: criteria provided, single submitter. Criteria: ACMG Guidelines, 2015. Collection method: clinical testing. Allele origin: germline. Observed: 2 variant alleles.
Comment: PS4_supporting, PM1, PM2, PP3

Literature cited by the submitters: PubMed 17576681 (cited by Labcorp Genetics (formerly Invitae), Labcorp); PubMed 9536098 (cited by Labcorp Genetics (formerly Invitae), Labcorp); PubMed 10581030 (cited by Labcorp Genetics (formerly Invitae), Labcorp and Mayo Clinic Laboratories, Mayo Clinic); PubMed 25427142 (cited by Mayo Clinic Laboratories, Mayo Clinic).

NM_001972.4(ELANE):c.597+3A>T

Gene: ELANE (elastase, neutrophil expressed; plus strand). Cytogenetic location: 19p13.3.
Variant type: single nucleotide variant.
Coding change: c.597+3A>T on transcript NM_001972.4 (MANE Select); 3 bases into the intron after coding-DNA position 597, A replaced by T.
Molecular consequence: intron variant.
Genome position (GRCh38, 1-based): chr19:855,797, A>T. VCF-style: chr19-855797-A-T. GRCh37 (hg19) VCF-style: chr19-855797-A-T.
Identifiers: ClinVar variation 1163716 (VCV001163716.9), dbSNP rs2145149093, ClinGen allele CA2499225648.